The following is an entry in ClinVar:

ClinVar aggregate classification (germline): Pathogenic (1 of 4 stars; one submission).

Conditions:
Duchenne muscular dystrophy (DMD). Also called: Duchenne Muscular Dystrophy (DMD); MUSCULAR DYSTROPHY, PSEUDOHYPERTROPHIC PROGRESSIVE, DUCHENNE TYPE. Identifiers: Orphanet 98896, MedGen C0013264, MONDO:0010679, OMIM 310200.

Submission:

Labcorp Genetics (formerly Invitae), Labcorp
Classification: Pathogenic for Duchenne muscular dystrophy. Last evaluated: 2022-08-31. Review status: criteria provided, single submitter. Criteria: Invitae Variant Classification Sherloc (09022015). Collection method: clinical testing. Allele origin: germline.
Comment: This variant is a gross deletion of the genomic region encompassing exon(s) 34-43 of the DMD gene. This deletion is out-of-frame, and is expected to create a premature termination codon and result in an absent or disrupted protein product. Loss-of-function variants in DMD are known to be pathogenic (PMID: 16770791, 25007885). A similar copy number variant has been observed in individual(s) with Duchenne muscular dystrophy (PMID: 17259292). For these reasons, this variant has been classified as Pathogenic.

Literature cited by the submitters: PubMed 16770791; PubMed 25007885; PubMed 17259292.

NC_000023.10:g.(?_32305626)_(32398817_?)del

Gene: DMD (dystrophin; minus strand). Cytogenetic location: Xp21.1.
Variant type: Deletion.
Identifiers: ClinVar variation 2424832 (VCV002424832.4).